The following is an entry in ClinVar:

ClinVar aggregate classification (germline): Uncertain significance (1 of 4 stars; one submission).

Submission:

Labcorp Genetics (formerly Invitae), Labcorp
Classification: Uncertain significance. Last evaluated: 2022-06-14. Review status: criteria provided, single submitter. Criteria: Invitae Variant Classification Sherloc (09022015). Collection method: clinical testing. Allele origin: germline.
Comment: This sequence change replaces lysine, which is basic and polar, with glutamic acid, which is acidic and polar, at codon 1080 of the RP1 protein (p.Lys1080Glu). This variant is not present in population databases (gnomAD no frequency). This variant has not been reported in the literature in individuals affected with RP1-related conditions. Algorithms developed to predict the effect of missense changes on protein structure and function are either unavailable or do not agree on the potential impact of this missense change (SIFT: "Deleterious"; PolyPhen-2: "Benign"; Align-GVGD: "Class C0"). In summary, the available evidence is currently insufficient to determine the role of this variant in disease. Therefore, it has been classified as a Variant of Uncertain Significance.

NM_006269.2(RP1):c.3238A>G (p.Lys1080Glu)

Gene: RP1 (RP1 axonemal microtubule associated; plus strand). Cytogenetic location: 8q12.1.
Variant type: single nucleotide variant.
Coding change: c.3238A>G on transcript NM_006269.2 (MANE Select); coding-DNA position 3238, A replaced by G.
Protein change: p.Lys1080Glu; replaces lysine 1080 with glutamic acid.
Molecular consequence: missense variant. On other transcripts: intron variant (1).
Genome position (GRCh38, 1-based): chr8:54,627,120, A>G. VCF-style: chr8-54627120-A-G. GRCh37 (hg19) VCF-style: chr8-55539680-A-G.
Other names: c.787+4832A>G (NM_001375654.1); short protein forms K1080E.
Identifiers: ClinVar variation 2130693 (VCV002130693.4), dbSNP rs2536578411, ClinGen allele CA370995934.